The following is an entry in ClinVar:

ClinVar aggregate classification (germline): Uncertain significance. Review status: criteria provided, multiple submitters, no conflicts (2 of 4 stars). 2 submissions from 2 submitters: Uncertain significance (2). Last evaluated 2022-08-19.

Conditions:
Microcephaly and chorioretinopathy 2. Also called: Microcephaly and chorioretinopathy, autosomal recessive, 2. Identifiers: Orphanet 808, MedGen C4015388, MONDO:0014516, OMIM 616171.

Allele frequency attached by ClinVar (database versions not stated): gnomAD 0.00001; TOPMed 0.00003; ExAC 0.00005; gnomAD exomes 0.00007.
gnomAD v4.1: 20 of 1,364,526 alleles (0.0015%); highest among the groups gnomAD compares: Admixed American, 0.036%; no homozygotes.

Submissions (2):

Labcorp Genetics (formerly Invitae), Labcorp
Classification: Uncertain significance. Last evaluated: 2022-08-19. Review status: criteria provided, single submitter. Criteria: Invitae Variant Classification Sherloc (09022015). Collection method: clinical testing. Allele origin: germline.
Comment: This sequence change falls in intron 8 of the PLK4 gene. It does not directly change the encoded amino acid sequence of the PLK4 protein. It affects a nucleotide within the consensus splice site. This variant is present in population databases (rs758425287, gnomAD 0.06%). This variant has not been reported in the literature in individuals affected with PLK4-related conditions. ClinVar contains an entry for this variant (Variation ID: 939314). Variants that disrupt the consensus splice site are a relatively common cause of aberrant splicing (PMID: 17576681, 9536098). Algorithms developed to predict the effect of sequence changes on RNA splicing suggest that this variant is not likely to affect RNA splicing. In summary, the available evidence is currently insufficient to determine the role of this variant in disease. Therefore, it has been classified as a Variant of Uncertain Significance.

Fulgent Genetics
Classification: Uncertain significance for Microcephaly and chorioretinopathy 2. Last evaluated: 2022-03-28. Review status: criteria provided, single submitter. Criteria: ACMG Guidelines, 2015. Collection method: clinical testing. Allele origin: unknown.

Literature cited by the submitters: PubMed 17576681 (cited by Labcorp Genetics (formerly Invitae), Labcorp); PubMed 9536098 (cited by Labcorp Genetics (formerly Invitae), Labcorp).

NM_014264.5(PLK4):c.1935+4A>T

Gene: PLK4 (polo like kinase 4; plus strand). Cytogenetic location: 4q28.1.
Variant type: single nucleotide variant.
Coding change: c.1935+4A>T on transcript NM_014264.5 (MANE Select); 4 bases into the intron after coding-DNA position 1935, A replaced by T.
Molecular consequence: intron variant.
Genome position (GRCh38, 1-based): chr4:127,891,200, A>T. VCF-style: chr4-127891200-A-T. GRCh37 (hg19) VCF-style: chr4-128812355-A-T.
Other names: c.1839+4A>T (NM_001190799.2); c.1812+4A>T (NM_001190801.2).
Identifiers: ClinVar variation 939314 (VCV000939314.4), dbSNP rs758425287, ClinGen allele CA3076891.